The following is an entry in ClinVar:

NM_001999.4(FBN2):c.6000A>G (p.Leu2000=)

Gene: FBN2 (fibrillin 2; minus strand). Cytogenetic location: 5q23.3.
Variant type: single nucleotide variant.
Coding change: c.6000A>G on transcript NM_001999.4 (MANE Select); coding-DNA position 6000, A replaced by G.
Protein change: p.Leu2000=; no amino-acid change (leucine 2000 retained).
Molecular consequence: synonymous variant.
Genome position (GRCh38, 1-based): chr5:128,301,428, T>C on the plus strand (A>G on the coding strand, the complement: FBN2 is on the minus strand). VCF-style: chr5-128301428-T-C. GRCh37 (hg19) VCF-style: chr5-127637120-T-C.
Other names: p.Leu2000=.
Identifiers: ClinVar variation 213241 (VCV000213241.40), dbSNP rs148293104, ClinGen allele CA324472.
Genomic context (GRCh38, chr5:128,301,428, plus strand): 5'-ATTTAAATACTTACCTATACAGTTTTTGCCATCTGGGGTAAGTTCATAACCTTCGTTACA[T>C]AGACACTTGAAAGAACCAATTTCATTAAAACAACGTCCATTTCTGCACACCTGACCAAAA-3'
Protein context (NP_001990.2, residues 1990-2010): CFNEIGSFKC[Leu2000=]CNEGYELTPD

ClinVar aggregate classification (germline): Benign/Likely benign. Review status: criteria provided, multiple submitters, no conflicts (2 of 4 stars). 9 submissions from 9 submitters: Benign (7); Likely benign (2). Last evaluated 2026-02-04.

Conditions:
Ehlers-Danlos syndrome (EDS). Identifiers: Orphanet 98249, MedGen C0013720, MONDO:0020066.
Familial thoracic aortic aneurysm and aortic dissection (TAAD). Also called: Thoracic aortic aneurysms and dissections. Identifiers: Orphanet 91387, MedGen C4707243, MONDO:0019625.
Congenital contractural arachnodactyly (CCA). Also called: BEALS SYNDROME; Beals-Hecht syndrome; Arthrogryposis, distal, type 9. Identifiers: Orphanet 115, MedGen C0220668, MONDO:0007363, OMIM 121050.

Allele frequency attached by ClinVar (database versions not stated): gnomAD exomes 0.00043 and 0.00122; ExAC 0.00146; gnomAD 0.00413 and 0.00434; TOPMed 0.00453; ESP Exome Variant Server 0.00492; 1000 Genomes Project 0.00579; 1000 Genomes Project 30x 0.00625.
gnomAD v4.1: 1,283 of 1,613,430 alleles (0.08%); highest among the groups gnomAD compares: African/African-American, 1.5%; 9 homozygotes.

Submissions (9):

Labcorp Genetics (formerly Invitae), Labcorp
Classification: Benign for Congenital contractural arachnodactyly. Last evaluated: 2026-02-04. Review status: criteria provided, single submitter. Criteria: Invitae Variant Classification Sherloc (09022015). Collection method: clinical testing. Allele origin: germline.

CeGaT Center for Human Genetics Tuebingen
Classification: Likely benign. Last evaluated: 2025-12-01. Review status: criteria provided, single submitter. Criteria: CeGaT Center For Human Genetics Tuebingen Variant Classification Criteria Version 2. Collection method: clinical testing. Allele origin: germline. Affected: yes. Observed: 2 variant alleles.
Comment: FBN2: BP4, BP7, BS1

ARUP Laboratories, Molecular Genetics and Genomics, ARUP Laboratories
Classification: Benign. Last evaluated: 2023-10-18. Review status: criteria provided, single submitter. Criteria: ARUP Molecular Germline Variant Investigation Process 2024. Collection method: clinical testing. Allele origin: germline.

Women's Health and Genetics/Laboratory Corporation of America, LabCorp
Classification: Benign. Last evaluated: 2023-07-21. Review status: criteria provided, single submitter. Criteria: LabCorp Variant Classification Summary - May 2015. Collection method: clinical testing. Allele origin: germline.

Genome Diagnostics Laboratory, The Hospital for Sick Children
Classification: Likely benign for Ehlers-Danlos syndrome. Last evaluated: 2020-02-01. Review status: criteria provided, single submitter. Criteria: ACMG Guidelines, 2015. Collection method: clinical testing. Allele origin: germline.

Illumina Laboratory Services, Illumina
Classification: Benign for Congenital contractural arachnodactyly. Last evaluated: 2018-01-13. Review status: criteria provided, single submitter. Criteria: ICSL Variant Classification Criteria 13 December 2019. Collection method: clinical testing. Allele origin: germline.
Comment: This variant was observed in the ICSL laboratory as part of a predisposition screen in an ostensibly healthy population. It had not been previously curated by ICSL or reported in the Human Gene Mutation Database (HGMD: prior to June 1st, 2018), and was therefore a candidate for classification through an automated scoring system. Utilizing variant allele frequency, disease prevalence and penetrance estimates, and inheritance mode, an automated score was calculated to assess if this variant is too frequent to cause the disease. Based on the score and internal cut-off values, a variant classified as benign is not then subjected to further curation. The score for this variant resulted in a classification of benign for this disease.

Mayo Clinic Laboratories, Mayo Clinic
Classification: Benign. Last evaluated: 2016-02-17. Review status: criteria provided, single submitter. Criteria: ACMG Guidelines, 2015. Collection method: clinical testing. Allele origin: germline. Observed: 3 variant alleles.

Ambry Genetics
Classification: Benign for Familial thoracic aortic aneurysm and aortic dissection. Last evaluated: 2015-09-22. Review status: criteria provided, single submitter. Criteria: Ambry Variant Classification Scheme 2023. Collection method: clinical testing. Allele origin: germline.

GeneDx
Classification: Benign. Last evaluated: 2014-06-23. Review status: criteria provided, single submitter. Criteria: GeneDx Variant Classification (06012015). Collection method: clinical testing. Allele origin: germline. Affected: yes.
Comment: This variant is considered likely benign or benign based on one or more of the following criteria: it is a conservative change, it occurs at a poorly conserved position in the protein, it is predicted to be benign by multiple in silico algorithms, and/or has population frequency not consistent with disease.